The following is an entry in ClinVar:

ClinVar aggregate classification (germline): Uncertain significance (1 of 4 stars; one submission).

Conditions:
Spondyloepiphyseal dysplasia with congenital joint dislocations (SEDCJD). Also called: Chondrodysplasia with Congenital Joint Dislocations, CHST3-Related. Identifiers: Orphanet 263463, MedGen C1837657, MONDO:0007738, OMIM 143095.

Submission:

Labcorp Genetics (formerly Invitae), Labcorp
Classification: Uncertain significance for Spondyloepiphyseal dysplasia with congenital joint dislocations. Last evaluated: 2025-10-27. Review status: criteria provided, single submitter. Criteria: Invitae Variant Classification Sherloc (09022015). Collection method: clinical testing. Allele origin: germline.
Comment: This sequence change replaces leucine, which is neutral and non-polar, with valine, which is neutral and non-polar, at codon 292 of the CHST3 protein (p.Leu292Val). This variant is present in population databases (no rsID available, gnomAD 0.002%). This variant has not been reported in the literature in individuals affected with CHST3-related conditions. ClinVar contains an entry for this variant (Variation ID: 1480761). Invitae Evidence Modeling of protein sequence and biophysical properties (such as structural, functional, and spatial information, amino acid conservation, physicochemical variation, residue mobility, and thermodynamic stability) has been performed for this missense variant. However, the output from this modeling did not meet the statistical confidence thresholds required to predict the impact of this variant on CHST3 protein function. In summary, the available evidence is currently insufficient to determine the role of this variant in disease. Therefore, it has been classified as a Variant of Uncertain Significance.

NM_004273.5(CHST3):c.874C>G (p.Leu292Val)

Gene: CHST3 (carbohydrate sulfotransferase 3; plus strand). Cytogenetic location: 10q22.1.
Variant type: single nucleotide variant.
Coding change: c.874C>G on transcript NM_004273.5 (MANE Select); coding-DNA position 874, C replaced by G.
Protein change: p.Leu292Val; replaces leucine 292 with valine.
Molecular consequence: missense variant.
Genome position (GRCh38, 1-based): chr10:72,007,905, C>G. VCF-style: chr10-72007905-C-G. GRCh37 (hg19) VCF-style: chr10-73767663-C-G.
Other names: short protein forms L292V.
Identifiers: ClinVar variation 1480761 (VCV001480761.6), dbSNP rs1474879888, ClinGen allele CA377147503.